The following is an entry in ClinVar:

ClinVar aggregate classification (germline): Conflicting classifications of pathogenicity. Review status: criteria provided, conflicting classifications (1 of 4 stars). 2 submissions from 2 submitters: Uncertain significance (1); Likely benign (1). Last evaluated 2025-08-21.

Conditions:
Cernunnos-XLF deficiency (IMD124). Also called: SCID, AUTOSOMAL RECESSIVE, T CELL-NEGATIVE, B CELL-NEGATIVE, NK CELL-POSITIVE, WITH MICROCEPHALY, GROWTH RETARDATION, AND SENSITIVITY TO IONIZING RADIATION; Severe combined immunodeficiency with sensitivity to ionizing radiation due to NHEJ1 deficiency; SCID, autosomal recessive, T cell-negative, B cell-negative, NK cell-positive, and sensitivity to ionizing radiation due to NHEJ1 deficiency; IMMUNODEFICIENCY 124, SEVERE COMBINED; NHEJ1 SYNDROME. Identifiers: Orphanet 169079, MedGen C1969799, MONDO:0012650, OMIM 611291.
Inborn genetic diseases. Identifiers: MedGen C0950123, MeSH D030342.

Allele frequency attached by ClinVar (database versions not stated): gnomAD exomes 0.00007; TOPMed 0.00007; ESP Exome Variant Server 0.00008; gnomAD 0.00008; ExAC 0.00012; 1000 Genomes Project 30x 0.00016; 1000 Genomes Project 0.00020.
gnomAD v4.1: 57 of 1,612,194 alleles (0.0035%); highest among the groups gnomAD compares: South Asian, 0.04%; no homozygotes.

Submissions (2):

Ambry Genetics
Classification: Likely benign for Inborn genetic diseases. Last evaluated: 2025-08-21. Review status: criteria provided, single submitter. Criteria: Ambry Variant Classification Scheme 2023. Collection method: clinical testing. Allele origin: germline.

Labcorp Genetics (formerly Invitae), Labcorp
Classification: Uncertain significance for Cernunnos-XLF deficiency. Last evaluated: 2025-01-01. Review status: criteria provided, single submitter. Criteria: Invitae Variant Classification Sherloc (09022015). Collection method: clinical testing. Allele origin: germline.
Comment: This sequence change replaces alanine, which is neutral and non-polar, with threonine, which is neutral and polar, at codon 235 of the NHEJ1 protein (p.Ala235Thr). This variant is present in population databases (rs375778719, gnomAD 0.05%). This variant has not been reported in the literature in individuals affected with NHEJ1-related conditions. ClinVar contains an entry for this variant (Variation ID: 1060729). Invitae Evidence Modeling of protein sequence and biophysical properties (such as structural, functional, and spatial information, amino acid conservation, physicochemical variation, residue mobility, and thermodynamic stability) indicates that this missense variant is not expected to disrupt NHEJ1 protein function with a negative predictive value of 80%. In summary, the available evidence is currently insufficient to determine the role of this variant in disease. Therefore, it has been classified as a Variant of Uncertain Significance.

NM_024782.3(NHEJ1):c.703G>A (p.Ala235Thr)

Gene: NHEJ1 (non-homologous end joining factor 1; minus strand). Cytogenetic location: 2q35.
Variant type: single nucleotide variant.
Coding change: c.703G>A on transcript NM_024782.3 (MANE Select); coding-DNA position 703, G replaced by A.
Protein change: p.Ala235Thr; replaces alanine 235 with threonine.
Molecular consequence: missense variant. On other transcripts: non-coding transcript variant (1).
Genome position (GRCh38, 1-based): chr2:219,078,092, C>T on the plus strand (G>A on the coding strand, the complement: NHEJ1 is on the minus strand). VCF-style: chr2-219078092-C-T. GRCh37 (hg19) VCF-style: chr2-219942814-C-T.
Other names: c.703G>A (NM_024782.2); c.703G>A, p.Ala235Thr (NM_001377498.1, NM_001377499.1); short protein forms A235T.
Identifiers: ClinVar variation 1060729 (VCV001060729.9), dbSNP rs375778719, ClinGen allele CA2116897.